The following is an entry in ClinVar:

ClinVar aggregate classification (germline): Uncertain significance (1 of 4 stars; one submission).

Submission:

Mayo Clinic Laboratories, Mayo Clinic
Classification: Uncertain significance. Last evaluated: 2024-08-07. Review status: criteria provided, single submitter. Criteria: ACMG Guidelines, 2015. Collection method: clinical testing. Allele origin: germline. Observed: 1 variant allele.
Comment: BP4

NM_002113.3(CFHR1):c.561A>C (p.Glu187Asp)

Gene: CFHR1 (complement factor H related 1; plus strand). Cytogenetic location: 1q31.3.
Variant type: single nucleotide variant.
Coding change: c.561A>C on transcript NM_002113.3 (MANE Select); coding-DNA position 561, A replaced by C.
Protein change: p.Glu187Asp; replaces glutamic acid 187 with aspartic acid.
Molecular consequence: missense variant.
Genome position (GRCh38, 1-based): chr1:196,828,200, A>C. VCF-style: chr1-196828200-A-C. GRCh37 (hg19) VCF-style: chr1-196797330-A-C.
Other names: p.Glu187Asp; c.510A>C, p.Glu170Asp (NM_001379306.1); c.399A>C, p.Glu133Asp (NM_001379307.1); c.396A>C, p.Glu132Asp (NM_001379308.1); c.393A>C, p.Glu131Asp (NM_001379309.1); c.366A>C, p.Glu122Asp (NM_001379310.1); c.357A>C, p.Glu119Asp (NM_001379311.1); c.318A>C, p.Glu106Asp (NM_001379312.1); short protein forms E106D, E119D, E122D, E131D, E132D, E133D, E170D, E187D.
Identifiers: ClinVar variation 3380341 (VCV003380341.1).
Genomic context (GRCh38, chr1:196,828,200, plus strand): 5'-ATCTGGTGAGAGAGTACGTTATGAATGTAGGAGCCCTTATGAAATGTTTGGGGATGAAGA[A>C]GTGATGTGTTTAAATGGAAACTGGACAGAACCACCTCAATGCAAAGGTAGAGTATTATAT-3'
Protein context (NP_002104.2, residues 177-197): RSPYEMFGDE[Glu187Asp]VMCLNGNWTE